The following is an entry in ClinVar:

NM_002230.4(JUP):c.1798A>G (p.Ile600Val)

Gene: JUP (junction plakoglobin; minus strand). Cytogenetic location: 17q21.2.
Variant type: single nucleotide variant.
Coding change: c.1798A>G on transcript NM_002230.4 (MANE Select); coding-DNA position 1798, A replaced by G.
Protein change: p.Ile600Val; replaces isoleucine 600 with valine.
Molecular consequence: missense variant.
Genome position (GRCh38, 1-based): chr17:41,757,760, T>C on the plus strand (A>G on the coding strand, the complement: JUP is on the minus strand). VCF-style: chr17-41757760-T-C. GRCh37 (hg19) VCF-style: chr17-39914012-T-C.
Other names: c.1798A>G, p.Ile600Val (NM_021991.4, NM_001352773.2, NM_001352774.2 and 3 more transcripts); short protein forms I600V.
Identifiers: ClinVar variation 4858579 (VCV004858579.1).

ClinVar aggregate classification (germline): Uncertain significance (1 of 4 stars; one submission).

Conditions:
Cardiovascular phenotype. Identifiers: MedGen CN230736.

Submission:

Ambry Genetics
Classification: Uncertain significance for Cardiovascular phenotype. Last evaluated: 2026-05-14. Review status: criteria provided, single submitter. Criteria: Ambry Variant Classification Scheme 2023. Collection method: clinical testing. Allele origin: germline.
Comment: The p.I600V variant (also known as c.1798A>G), located in coding exon 10 of the JUP gene, results from an A to G substitution at nucleotide position 1798. The isoleucine at codon 600 is replaced by valine, an amino acid with highly similar properties. This amino acid position is conserved. In addition, this alteration is predicted to be tolerated by in silico analysis. Based on the available evidence, the clinical significance of this variant remains unclear.